The following is an entry in ClinVar:

NM_004393.6(DAG1):c.278T>C (p.Ile93Thr)

Gene: DAG1 (dystroglycan 1; plus strand). Cytogenetic location: 3p21.31.
Variant type: single nucleotide variant.
Coding change: c.278T>C on transcript NM_004393.6 (MANE Select); coding-DNA position 278, T replaced by C.
Protein change: p.Ile93Thr; replaces isoleucine 93 with threonine.
Molecular consequence: missense variant.
Genome position (GRCh38, 1-based): chr3:49,510,812, T>C. VCF-style: chr3-49510812-T-C. GRCh37 (hg19) VCF-style: chr3-49548245-T-C.
Other names: c.278T>C, p.Ile93Thr (NM_001165928.4, NM_001177634.3, NM_001177635.3 and 9 more transcripts); c.278T>C (NM_004393.4, NM_001165928.3); short protein forms I93T.
Identifiers: ClinVar variation 281825 (VCV000281825.24), dbSNP rs149218670, ClinGen allele CA2398859.
Genomic context (GRCh38, chr3:49,510,812, plus strand): 5'-TCGTCGGGCGCTCATTTCGAGTGACCATTCCAACAGATTTGATTGCCTCCAGTGGAGATA[T>C]CATCAAGGTGAGACTGGATATAAAGCATAAATGAGGAAGAGTTCTCATTTTCCATTTTAG-3'
Protein context (NP_004384.5, residues 83-103): PTDLIASSGD[Ile93Thr]IKVSAAGKEA

ClinVar aggregate classification (germline): Conflicting classifications of pathogenicity. Review status: criteria provided, conflicting classifications (1 of 4 stars). 7 submissions from 7 submitters: Uncertain significance (1); Likely benign (5). 1 of the submissions does not count toward it. Last evaluated 2026-01-14.

Conditions:
DAG1-related disorder. Also called: DAG1-related condition.
Inborn genetic diseases. Identifiers: MedGen C0950123, MeSH D030342.
Autosomal recessive limb-girdle muscular dystrophy type 2P. Also called: Limb-Girdle Muscular Dystrophy Type 9C; MUSCULAR DYSTROPHY, LIMB-GIRDLE, TYPE 2P; MUSCULAR DYSTROPHY-DYSTROGLYCANOPATHY, LIMB-GIRDLE, DAG1-RELATED. Identifiers: Orphanet 280333, MedGen C4511963, MONDO:0013440, OMIM 613818.
Muscular dystrophy-dystroglycanopathy (congenital with brain and eye anomalies), type A9. Also called: Muscular dystrophy-dystroglycanopathy (congenital with brain and eye anomalies), type a, 9; WALKER-WARBURG SYNDROME OR MUSCLE-EYE BRAIN DISEASE, DAG1-RELATED. Identifiers: Orphanet 370997, Orphanet 899, MedGen C4225291, MONDO:0014683, OMIM 616538.

Allele frequency attached by ClinVar (database versions not stated): gnomAD exomes 0.00008 and 0.00023; ExAC 0.00026; gnomAD 0.00099 and 0.00106; TOPMed 0.00107; ESP Exome Variant Server 0.00131; 1000 Genomes Project 0.00140; 1000 Genomes Project 30x 0.00156.
gnomAD v4.1: 271 of 1,614,168 alleles (0.017%); highest among the groups gnomAD compares: African/African-American, 0.31%; 1 homozygote.

Submissions (7):

Labcorp Genetics (formerly Invitae), Labcorp
Classification: Likely benign for Autosomal recessive limb-girdle muscular dystrophy type 2P; Muscular dystrophy-dystroglycanopathy (congenital with brain and eye anomalies), type A9. Last evaluated: 2026-01-14. Review status: criteria provided, single submitter. Criteria: Invitae Variant Classification Sherloc (09022015). Collection method: clinical testing. Allele origin: germline.

Ambry Genetics
Classification: Likely benign for Inborn genetic diseases. Last evaluated: 2024-09-30. Review status: criteria provided, single submitter. Criteria: Ambry Variant Classification Scheme 2023. Collection method: clinical testing. Allele origin: germline.

Athena Diagnostics
Classification: Likely benign. Last evaluated: 2024-08-29. Review status: criteria provided, single submitter. Criteria: Athena Diagnostics Criteria. Collection method: clinical testing. Allele origin: unknown.

Revvity Omics, Revvity
Classification: Likely benign. Last evaluated: 2023-05-17. Review status: criteria provided, single submitter. Criteria: ACMG Guidelines, 2015. Collection method: clinical testing. Allele origin: germline.

GeneDx
Classification: Likely benign. Last evaluated: 2020-11-16. Review status: criteria provided, single submitter. Criteria: GeneDx Variant Classification Process June 2021. Collection method: clinical testing. Allele origin: germline. Affected: yes.
Comment: This variant is associated with the following publications: (PMID: 30564623)

Eurofins Ntd Llc (ga)
Classification: Uncertain significance. Last evaluated: 2018-07-19. Review status: criteria provided, single submitter. Criteria: EGL ClinVar v180209 classification definitions. Collection method: clinical testing. Allele origin: germline. Observed: 7 variant alleles, 7 heterozygotes.

PreventionGenetics, part of Exact Sciences
Classification: Likely benign for DAG1-related condition. Last evaluated: 2022-02-03. Review status: no assertion criteria provided. Collection method: clinical testing. Allele origin: germline. Not counted in ClinVar's aggregate classification.
Comment: This variant is classified as likely benign based on ACMG/AMP sequence variant interpretation guidelines (Richards et al. 2015 PMID: 25741868, with internal and published modifications).